The following is an entry in ClinVar:

ClinVar aggregate classification (germline): Uncertain significance. Review status: criteria provided, multiple submitters, no conflicts (2 of 4 stars). 2 submissions from 2 submitters: Uncertain significance (2). Last evaluated 2023-09-06.

Conditions:
Inborn genetic diseases. Identifiers: MedGen C0950123, MeSH D030342.
Hyperphosphatasia with impaired intellectual development syndrome 2. Also called: Hyperphosphatasia with intellectual disability syndrome 2; GLYCOSYLPHOSPHATIDYLINOSITOL BIOSYNTHESIS DEFECT 6. Identifiers: Orphanet 247262, MedGen C3553637, MONDO:0013882, OMIM 614749.

Allele frequency attached by ClinVar (database versions not stated): gnomAD exomes below 0.00001; gnomAD 0.00001; TOPMed 0.00001.
gnomAD v4.1: 5 of 1,614,068 alleles (0.00031%); highest among the groups gnomAD compares: Non-Finnish European, 0.00042%; no homozygotes.

Submissions (2):

Ambry Genetics
Classification: Uncertain significance for Inborn genetic diseases. Last evaluated: 2023-09-06. Review status: criteria provided, single submitter. Criteria: Ambry Variant Classification Scheme 2023. Collection method: clinical testing. Allele origin: germline.

Labcorp Genetics (formerly Invitae), Labcorp
Classification: Uncertain significance for Hyperphosphatasia with impaired intellectual development syndrome 2. Last evaluated: 2022-07-12. Review status: criteria provided, single submitter. Criteria: Invitae Variant Classification Sherloc (09022015). Collection method: clinical testing. Allele origin: germline.
Comment: In summary, the available evidence is currently insufficient to determine the role of this variant in disease. Therefore, it has been classified as a Variant of Uncertain Significance. Algorithms developed to predict the effect of missense changes on protein structure and function (SIFT, PolyPhen-2, Align-GVGD) all suggest that this variant is likely to be tolerated. ClinVar contains an entry for this variant (Variation ID: 658063). This variant has not been reported in the literature in individuals affected with PIGO-related conditions. This variant is present in population databases (no rsID available, gnomAD 0.007%). This sequence change replaces alanine, which is neutral and non-polar, with proline, which is neutral and non-polar, at codon 540 of the PIGO protein (p.Ala540Pro).

NM_032634.4(PIGO):c.1618G>C (p.Ala540Pro)

Gene: PIGO (phosphatidylinositol glycan anchor biosynthesis class O; minus strand). Cytogenetic location: 9p13.3.
Variant type: single nucleotide variant.
Coding change: c.1618G>C on transcript NM_032634.4 (MANE Select); coding-DNA position 1618, G replaced by C.
Protein change: p.Ala540Pro; replaces alanine 540 with proline.
Molecular consequence: missense variant. On other transcripts: intron variant (2).
Genome position (GRCh38, 1-based): chr9:35,092,269, C>G on the plus strand (G>C on the coding strand, the complement: PIGO is on the minus strand). VCF-style: chr9-35092269-C-G. GRCh37 (hg19) VCF-style: chr9-35092266-C-G.
Other names: c.1344+274G>C (NM_152850.4, NM_001201484.2); short protein forms A540P.
Identifiers: ClinVar variation 658063 (VCV000658063.10), dbSNP rs1404216766, ClinGen allele CA373321754.